The following is an entry in ClinVar:

ClinVar aggregate classification (germline): Uncertain significance (1 of 4 stars; one submission).

Conditions:
Familial hypobetalipoproteinemia 1. Also called: APOB-Related Familial Hypobetalipoproteinemia; Hypobetalipoproteinemia, normotriglyceridemic; Acanthocytosis with hypobetalipoproteinemia. Identifiers: MedGen C4551990, MONDO:0014252, OMIM 615558.
Hypercholesterolemia, autosomal dominant, type B (FHCL2). Also called: APOB-Related Familial Hypercholesterolemia, Autosomal Dominant; Familial hypercholesterolemia 2; Familial Hypercholesterolemia Type B; APOLIPOPROTEIN B-100, FAMILIAL DEFECTIVE; APOLIPOPROTEIN B-100, FAMILIAL LIGAND-DEFECTIVE; HYPERCHOLESTEROLEMIA, FAMILIAL, DUE TO LIGAND-DEFECTIVE APOLIPOPROTEIN B. Identifiers: MedGen C1704417, MONDO:0007751, OMIM 144010.

Submission:

Labcorp Genetics (formerly Invitae), Labcorp
Classification: Uncertain significance for Familial hypobetalipoproteinemia 1; Hypercholesterolemia, autosomal dominant, type B. Last evaluated: 2025-02-09. Review status: criteria provided, single submitter. Criteria: Invitae Variant Classification Sherloc (09022015). Collection method: clinical testing. Allele origin: germline.
Comment: This sequence change replaces glutamine, which is neutral and polar, with glutamic acid, which is acidic and polar, at codon 2630 of the APOB protein (p.Gln2630Glu). This variant is not present in population databases (gnomAD no frequency). This variant has not been reported in the literature in individuals affected with APOB-related conditions. Invitae Evidence Modeling of protein sequence and biophysical properties (such as structural, functional, and spatial information, amino acid conservation, physicochemical variation, residue mobility, and thermodynamic stability) indicates that this missense variant is not expected to disrupt APOB protein function with a negative predictive value of 95%. In summary, the available evidence is currently insufficient to determine the role of this variant in disease. Therefore, it has been classified as a Variant of Uncertain Significance.

NM_000384.3(APOB):c.7888C>G (p.Gln2630Glu)

Gene: APOB (apolipoprotein B; minus strand). Cytogenetic location: 2p24.1.
Variant type: single nucleotide variant.
Coding change: c.7888C>G on transcript NM_000384.3 (MANE Select); coding-DNA position 7888, C replaced by G.
Protein change: p.Gln2630Glu; replaces glutamine 2630 with glutamic acid.
Molecular consequence: missense variant.
Genome position (GRCh38, 1-based): chr2:21,008,980, G>C on the plus strand (C>G on the coding strand, the complement: APOB is on the minus strand). VCF-style: chr2-21008980-G-C. GRCh37 (hg19) VCF-style: chr2-21231852-G-C.
Other names: short protein forms Q2630E.
Identifiers: ClinVar variation 4788775 (VCV004788775.1).